The following is an entry in ClinVar:

ClinVar aggregate classification (germline): Uncertain significance (1 of 4 stars; one submission).

Conditions:
Spondyloenchondrodysplasia with immune dysregulation (SPENCDI). Also called: ROIFMAN IMMUNOSKELETAL SYNDROME; SPONDYLOENCHONDRODYSPLASIA WITH OR WITHOUT IMMUNE DYSREGULATION; COMBINED IMMUNODEFICIENCY WITH AUTOIMMUNITY AND SPONDYLOMETAPHYSEAL DYSPLASIA. Identifiers: Orphanet 1855, MedGen C1842763, MONDO:0011939, OMIM 607944.

Allele frequency attached by ClinVar (database versions not stated): gnomAD exomes below 0.00001; gnomAD 0.00001; TOPMed 0.00001.
gnomAD v4.1: 2 of 1,614,116 alleles (0.00012%); highest among the groups gnomAD compares: African/African-American, 0.0027%; no homozygotes.

Submission:

Labcorp Genetics (formerly Invitae), Labcorp
Classification: Uncertain significance for Spondyloenchondrodysplasia with immune dysregulation. Last evaluated: 2024-04-10. Review status: criteria provided, single submitter. Criteria: Invitae Variant Classification Sherloc (09022015). Collection method: clinical testing. Allele origin: germline.
Comment: This sequence change replaces threonine, which is neutral and polar, with isoleucine, which is neutral and non-polar, at codon 285 of the ACP5 protein (p.Thr285Ile). This variant is present in population databases (no rsID available, gnomAD 0.007%). This variant has not been reported in the literature in individuals affected with ACP5-related conditions. ClinVar contains an entry for this variant (Variation ID: 1350102). An algorithm developed to predict the effect of missense changes on protein structure and function (PolyPhen-2) suggests that this variant is likely to be tolerated. In summary, the available evidence is currently insufficient to determine the role of this variant in disease. Therefore, it has been classified as a Variant of Uncertain Significance.

NM_001611.5(ACP5):c.854C>T (p.Thr285Ile)

Gene: ACP5 (acid phosphatase 5, tartrate resistant; minus strand). Cytogenetic location: 19p13.2.
Variant type: single nucleotide variant.
Coding change: c.854C>T on transcript NM_001611.5 (MANE Select); coding-DNA position 854, C replaced by T.
Protein change: p.Thr285Ile; replaces threonine 285 with isoleucine.
Molecular consequence: missense variant.
Genome position (GRCh38, 1-based): chr19:11,575,134, G>A on the plus strand (C>T on the coding strand, the complement: ACP5 is on the minus strand). VCF-style: chr19-11575134-G-A. GRCh37 (hg19) VCF-style: chr19-11685949-G-A.
Other names: c.854C>T, p.Thr285Ile (NM_001111034.3, NM_001111035.3, NM_001111036.3 and 1 more transcripts); short protein forms T285I.
Identifiers: ClinVar variation 1350102 (VCV001350102.8), dbSNP rs1369048725, ClinGen allele CA404145411.